The following is an entry in ClinVar:

ClinVar aggregate classification (germline): Uncertain significance (1 of 4 stars; one submission).

Allele frequency attached by ClinVar (database versions not stated): gnomAD exomes below 0.00001.
gnomAD v4.1: 2 of 1,613,522 alleles (0.00012%); highest among the groups gnomAD compares: Non-Finnish European, 0.00017%; no homozygotes.

Submission:

Labcorp Genetics (formerly Invitae), Labcorp
Classification: Uncertain significance. Last evaluated: 2024-11-11. Review status: criteria provided, single submitter. Criteria: Invitae Variant Classification Sherloc (09022015). Collection method: clinical testing. Allele origin: germline.
Comment: This sequence change replaces threonine, which is neutral and polar, with isoleucine, which is neutral and non-polar, at codon 36 of the TRMT5 protein (p.Thr36Ile). This variant is not present in population databases (gnomAD no frequency). This variant has not been reported in the literature in individuals affected with TRMT5-related conditions. ClinVar contains an entry for this variant (Variation ID: 2096229). An algorithm developed to predict the effect of missense changes on protein structure and function outputs the following: PolyPhen-2: "Benign". The isoleucine amino acid residue is found in multiple mammalian species, which suggests that this missense change does not adversely affect protein function. In summary, the available evidence is currently insufficient to determine the role of this variant in disease. Therefore, it has been classified as a Variant of Uncertain Significance.

NM_020810.3(TRMT5):c.107C>T (p.Thr36Ile)

Gene: TRMT5 (tRNA methyltransferase 5; minus strand). Cytogenetic location: 14q23.1.
Variant type: single nucleotide variant.
Coding change: c.107C>T on transcript NM_020810.3 (MANE Select); coding-DNA position 107, C replaced by T.
Protein change: p.Thr36Ile; replaces threonine 36 with isoleucine.
Molecular consequence: missense variant.
Genome position (GRCh38, 1-based): chr14:60,979,791, G>A on the plus strand (C>T on the coding strand, the complement: TRMT5 is on the minus strand). VCF-style: chr14-60979791-G-A. GRCh37 (hg19) VCF-style: chr14-61446509-G-A.
Other names: c.191C>T, p.Thr64Ile (NM_001350253.1); c.188C>T, p.Thr63Ile (NM_001350254.1); short protein forms T36I, T63I, T64I.
Identifiers: ClinVar variation 2096229 (VCV002096229.4), dbSNP rs2502995369, ClinGen allele CA389921632.